The following is an entry in ClinVar:

ClinVar aggregate classification (germline): Pathogenic (1 of 4 stars; one submission).

Conditions:
Holocarboxylase synthetase deficiency. Also called: MULTIPLE CARBOXYLASE DEFICIENCY, EARLY ONSET. Identifiers: Orphanet 79242, MedGen C0268581, MONDO:0009666, OMIM 253270.

Submission:

Myriad Genetics, Inc.
Classification: Pathogenic for Holocarboxylase synthetase deficiency. Last evaluated: 2024-01-21. Review status: criteria provided, single submitter. Criteria: Myriad Autosomal Dominant, Autosomal Recessive and X-Linked Classification Criteria (2023). Collection method: clinical testing. Allele origin: unknown.
Comment: NM_000411.6(HLCS):c.1356_1363dup8(I455Tfs*2) is expected to be pathogenic in the context of holocarboxylase synthetase deficiency. This variant is predicted to lead to an abnormal or absent protein product due to the creation of a premature termination codon in HLCS, a gene where loss-of-function variants are known to be pathogenic. Please note: this variant was assessed in the context of healthy population screening.

NM_001352514.2(HLCS):c.1797_1804dup (p.Ile602delinsThrTer)

Gene: HLCS (holocarboxylase synthetase; minus strand). Cytogenetic location: 21q22.13.
Variant type: Duplication.
Coding change: c.1797_1804dup on transcript NM_001352514.2 (MANE Select); coding-DNA positions 1797 to 1804, 8 bases duplicated (CTTAGAGA; older notation c.1797_1804dupCTTAGAGA).
Protein change: p.Ile602delinsThrTer.
Molecular consequence: nonsense. On other transcripts: non-coding transcript variant (2).
Genome position (GRCh38, 1-based): chr21:36,896,948-36,896,955, TCTCTAAG duplicated on the plus strand (CTTAGAGA on the coding strand, the reverse complement: HLCS is on the minus strand); duplicating any 8 consecutive bases within chr21:36,896,948-36,896,956 gives the same sequence; the c. name uses the placement nearest the transcript's 3' end. VCF-style (leftmost placement, unchanged base first): chr21-36896947-A-ATCTCTAAG. GRCh37 (hg19) VCF-style: chr21-38269247-A-ATCTCTAAG.
Other names: c.1356_1363dup, p.Ile455delinsThrTer (NM_000411.8, NM_001242784.3, NM_001242785.2 and 4 more transcripts).
Identifiers: ClinVar variation 5012657 (VCV005012657.1).